The following is an entry in ClinVar:

NM_153676.4(USH1C):c.892A>C (p.Met298Leu)

Gene: USH1C (USH1 protein network component harmonin; minus strand). Cytogenetic location: 11p15.1.
Variant type: single nucleotide variant.
Coding change: c.892A>C on transcript NM_153676.4 (MANE Select); coding-DNA position 892, A replaced by C.
Protein change: p.Met298Leu; replaces methionine 298 with leucine.
Molecular consequence: missense variant. On other transcripts: non-coding transcript variant (1).
Genome position (GRCh38, 1-based): chr11:17,522,911, T>G on the plus strand (A>C on the coding strand, the complement: USH1C is on the minus strand). VCF-style: chr11-17522911-T-G. GRCh37 (hg19) VCF-style: chr11-17544458-T-G.
Other names: c.835A>C, p.Met279Leu (NM_001297764.2); c.892A>C, p.Met298Leu (NM_005709.4); c.892A>C (NM_153676.3); short protein forms M279L, M298L.
Identifiers: ClinVar variation 1413515 (VCV001413515.6), dbSNP rs999871420, ClinGen allele CA218458556.

ClinVar aggregate classification (germline): Uncertain significance. Review status: criteria provided, multiple submitters, no conflicts (2 of 4 stars). 2 submissions from 2 submitters: Uncertain significance (2). Last evaluated 2026-04-12.

Conditions:
USH1C-related disorder. Also called: USH1C-related condition.

Allele frequency attached by ClinVar (database versions not stated): gnomAD exomes below 0.00001; gnomAD 0.00001; TOPMed 0.00001.

Submissions (2):

PreventionGenetics, part of Exact Sciences
Classification: Uncertain significance for USH1C-related condition. Last evaluated: 2026-04-12. Review status: criteria provided, single submitter. Criteria: ACMG Guidelines, 2015. Collection method: clinical testing. Allele origin: germline.
Comment: The USH1C c.892A>C variant is predicted to result in the amino acid substitution p.Met298Leu. To our knowledge, this variant has not been reported in the literature or in a large population database (gnomAD), indicating this variant is rare. At this time, the clinical significance of this variant is uncertain due to the absence of conclusive functional and genetic evidence.

Labcorp Genetics (formerly Invitae), Labcorp
Classification: Uncertain significance. Last evaluated: 2021-09-17. Review status: criteria provided, single submitter. Criteria: Invitae Variant Classification Sherloc (09022015). Collection method: clinical testing. Allele origin: germline.
Comment: This sequence change replaces methionine with leucine at codon 298 of the USH1C protein (p.Met298Leu). The methionine residue is moderately conserved and there is a small physicochemical difference between methionine and leucine. This variant is not present in population databases (ExAC no frequency). This variant has not been reported in the literature in individuals with USH1C-related conditions. Algorithms developed to predict the effect of missense changes on protein structure and function output the following: SIFT: "Tolerated"; PolyPhen-2: "Benign"; Align-GVGD: "Class C0". The leucine amino acid residue is found in multiple mammalian species, suggesting that this missense change does not adversely affect protein function. These predictions have not been confirmed by published functional studies and their clinical significance is uncertain. In summary, the available evidence is currently insufficient to determine the role of this variant in disease. Therefore, it has been classified as a Variant of Uncertain Significance.